The following is an entry in ClinVar:

NM_015087.5(SPART):c.815G>A (p.Cys272Tyr)

Gene: SPART (spartin; minus strand). Cytogenetic location: 13q13.3.
Variant type: single nucleotide variant.
Coding change: c.815G>A on transcript NM_015087.5 (MANE Select); coding-DNA position 815, G replaced by A.
Protein change: p.Cys272Tyr; replaces cysteine 272 with tyrosine.
Molecular consequence: missense variant.
Genome position (GRCh38, 1-based): chr13:36,331,592, C>T on the plus strand (G>A on the coding strand, the complement: SPART is on the minus strand). VCF-style: chr13-36331592-C-T. GRCh37 (hg19) VCF-style: chr13-36905729-C-T.
Other names: c.815G>A, p.Cys272Tyr (NM_001142294.2, NM_001142295.2, NM_001142296.2); short protein forms C272Y.
Identifiers: ClinVar variation 1344107 (VCV001344107.10), dbSNP rs188620997, ClinGen allele CA6949558.

ClinVar aggregate classification (germline): Uncertain significance. Review status: criteria provided, multiple submitters, no conflicts (2 of 4 stars). 3 submissions from 3 submitters: Uncertain significance (3). Last evaluated 2025-10-01.

Conditions:
Inborn genetic diseases. Identifiers: MedGen C0950123, MeSH D030342.
Hereditary spastic paraplegia. Also called: Familial spastic paraparesis. Identifiers: Orphanet 685, MedGen C0037773, MONDO:0019064. Disease mechanism: loss of function.

Allele frequency attached by ClinVar (database versions not stated): ExAC 0.00001; gnomAD exomes 0.00002; TOPMed 0.00002; 1000 Genomes Project 30x 0.00016; 1000 Genomes Project 0.00020.
gnomAD v4.1: 8 of 1,612,476 alleles (0.0005%); highest among the groups gnomAD compares: Admixed American, 0.013%; no homozygotes.

Submissions (3):

CeGaT Center for Human Genetics Tuebingen
Classification: Uncertain significance. Last evaluated: 2025-10-01. Review status: criteria provided, single submitter. Criteria: CeGaT Center For Human Genetics Tuebingen Variant Classification Criteria Version 2. Collection method: clinical testing. Allele origin: germline. Affected: yes. Observed: 1 variant allele.
Comment: SPART: PM2, PP3

Ambry Genetics
Classification: Uncertain significance for Inborn genetic diseases. Last evaluated: 2022-12-28. Review status: criteria provided, single submitter. Criteria: Ambry Variant Classification Scheme 2023. Collection method: clinical testing. Allele origin: germline.

Genome Diagnostics Laboratory, The Hospital for Sick Children
Classification: Uncertain significance for Hereditary spastic paraplegia. Last evaluated: 2020-10-19. Review status: criteria provided, single submitter. Criteria: ACMG Guidelines, 2015. Collection method: clinical testing. Allele origin: germline. Affected: yes.